The following is an entry in ClinVar:

ClinVar aggregate classification (germline): Benign. Review status: criteria provided, multiple submitters, no conflicts (2 of 4 stars). 6 submissions from 6 submitters: Benign (4). 2 of the submissions do not count toward it. Last evaluated 2026-02-02.

Conditions:
Brugada syndrome. Also called: Sudden unexplained nocturnal death syndrome; Sudden Unexplained Death Syndrome; Sudden Unexplained Nocturnal Death Syndrome (SUNDS); Sudden unexpected nocturnal death syndrome. Identifiers: Orphanet 130, MedGen C1142166, MONDO:0015263.

Allele frequency attached by ClinVar (database versions not stated): gnomAD exomes 0.00124 and 0.00331; ExAC 0.00477; gnomAD 0.01356 and 0.01447; 1000 Genomes Project 30x 0.01483; 1000 Genomes Project 0.01498; TOPMed 0.01550; ESP Exome Variant Server 0.01661.
gnomAD v4.1: 3,896 of 1,610,534 alleles (0.24%); highest among the groups gnomAD compares: African/African-American, 4.8%; 78 homozygotes.

Submissions (6):

Labcorp Genetics (formerly Invitae), Labcorp
Classification: Benign for Brugada syndrome. Last evaluated: 2026-02-02. Review status: criteria provided, single submitter. Criteria: Invitae Variant Classification Sherloc (09022015). Collection method: clinical testing. Allele origin: germline.

Women's Health and Genetics/Laboratory Corporation of America, LabCorp
Classification: Benign. Last evaluated: 2024-06-09. Review status: criteria provided, single submitter. Criteria: LabCorp Variant Classification Summary - May 2015. Collection method: clinical testing. Allele origin: germline.

GeneDx
Classification: Benign. Last evaluated: 2016-10-18. Review status: criteria provided, single submitter. Criteria: GeneDx Variant Classification (06012015). Collection method: clinical testing. Allele origin: germline. Affected: yes.
Comment: This variant is considered likely benign or benign based on one or more of the following criteria: it is a conservative change, it occurs at a poorly conserved position in the protein, it is predicted to be benign by multiple in silico algorithms, and/or has population frequency not consistent with disease.

Breakthrough Genomics
Classification: Benign. Review status: criteria provided, single submitter. Criteria: ACMG Guidelines, 2015. Collection method: not provided. Allele origin: germline. Inheritance: Autosomal dominant inheritance. Affected: yes.

Clinical Genetics, Academic Medical Center
Classification: Benign. Review status: no assertion criteria provided. Collection method: clinical testing. Allele origin: germline. Affected: yes. Study: VKGL Data-share Consensus. Not counted in ClinVar's aggregate classification.

Joint Genome Diagnostic Labs from Nijmegen and Maastricht, Radboudumc and MUMC+
Classification: Benign. Review status: no assertion criteria provided. Collection method: clinical testing. Allele origin: germline. Affected: yes. Study: VKGL Data-share Consensus. Not counted in ClinVar's aggregate classification.

NM_006514.4(SCN10A):c.4090-19C>T

Gene: SCN10A (sodium voltage-gated channel alpha subunit 10; minus strand). Cytogenetic location: 3p22.2.
Variant type: single nucleotide variant.
Coding change: c.4090-19C>T on transcript NM_006514.4 (MANE Select); 19 bases into the intron before coding-DNA position 4090, C replaced by T.
Molecular consequence: intron variant.
Genome position (GRCh38, 1-based): chr3:38,710,916, G>A on the plus strand (C>T on the coding strand, the complement: SCN10A is on the minus strand). VCF-style: chr3-38710916-G-A. GRCh37 (hg19) VCF-style: chr3-38752407-G-A.
Other names: c.3796-19C>T (NM_001293307.2); c.4087-19C>T (NM_001293306.2).
Identifiers: ClinVar variation 386378 (VCV000386378.15), dbSNP rs77494117, ClinGen allele CA2320022.